The following is an entry in ClinVar:

ClinVar aggregate classification (germline): Conflicting classifications of pathogenicity. Review status: criteria provided, conflicting classifications (1 of 4 stars). 6 submissions from 6 submitters: Uncertain significance (2); Benign (2); Likely benign (2). Last evaluated 2025-12-23.

Conditions:
Ehlers-Danlos syndrome, classic type, 1 (EDSCL1). Also called: EDS I; EHLERS-DANLOS SYNDROME, GRAVIS TYPE; EHLERS-DANLOS SYNDROME, SEVERE CLASSIC TYPE; Ehlers-Danlos syndrome, type 1; Ehlers-Danlos Syndrome, Classic Type, COL5A1-Related. Identifiers: MedGen C0268335, MONDO:0019567, OMIM 130000.
Familial thoracic aortic aneurysm and aortic dissection (TAAD). Also called: Thoracic aortic aneurysms and dissections. Identifiers: Orphanet 91387, MedGen C4707243, MONDO:0019625.

Allele frequency attached by ClinVar (database versions not stated): ExAC 0.00004; gnomAD exomes 0.00004; gnomAD 0.00005 and 0.00006; TOPMed 0.00010; ESP Exome Variant Server 0.00015.
gnomAD v4.1: 75 of 1,613,186 alleles (0.0046%); highest among the groups gnomAD compares: Middle Eastern, 0.033%; no homozygotes.

Submissions (6):

Labcorp Genetics (formerly Invitae), Labcorp
Classification: Benign for Ehlers-Danlos syndrome, classic type, 1. Last evaluated: 2025-12-23. Review status: criteria provided, single submitter. Criteria: Invitae Variant Classification Sherloc (09022015). Collection method: clinical testing. Allele origin: germline.

Blueprint Genetics
Classification: Likely benign. Last evaluated: 2024-05-13. Review status: criteria provided, single submitter. Criteria: ACMG Guidelines, 2015. Collection method: clinical testing. Allele origin: germline.

Women's Health and Genetics/Laboratory Corporation of America, LabCorp
Classification: Benign. Last evaluated: 2024-04-01. Review status: criteria provided, single submitter. Criteria: LabCorp Variant Classification Summary - May 2015. Collection method: clinical testing. Allele origin: germline.
Comment: Variant summary: COL5A1 c.2424C>T alters a non-conserved nucleotide resulting in a synonymous change. Consensus agreement among computation tools predict no significant impact on normal splicing. However, these predictions have yet to be confirmed by functional studies. The variant allele was found at a frequency of 4.6e-05 in 1613186 control chromosomes, predominantly at a frequency of 5.3e-05 within the Non-Finnish European subpopulation in the gnomAD database (v4.0.0). The observed variant frequency within Non-Finnish European control individuals in the gnomAD database is approximately 2 fold of the estimated maximal expected allele frequency for a pathogenic variant in COL5A1 causing Ehlers-Danlos Syndrome phenotype (3.1e-05), strongly suggesting that the variant is a benign polymorphism found primarily in populations of Non-Finnish European origin. To our knowledge, no occurrence of c.2424C>T in individuals affected with Ehlers-Danlos Syndrome and no experimental evidence demonstrating its impact on protein function have been reported. ClinVar contains an entry for this variant (Variation ID: 392809). Based on the evidence outlined above, the variant was classified as benign.

Ambry Genetics
Classification: Likely benign for Familial thoracic aortic aneurysm and aortic dissection. Last evaluated: 2021-07-12. Review status: criteria provided, single submitter. Criteria: Ambry Variant Classification Scheme 2023. Collection method: clinical testing. Allele origin: germline.

Mayo Clinic Laboratories, Mayo Clinic
Classification: Uncertain significance. Last evaluated: 2021-04-22. Review status: criteria provided, single submitter. Criteria: ACMG Guidelines, 2015. Collection method: clinical testing. Allele origin: germline.

GeneDx
Classification: Uncertain significance. Last evaluated: 2020-11-03. Review status: criteria provided, single submitter. Criteria: GeneDx Variant Classification Process June 2021. Collection method: clinical testing. Allele origin: germline. Affected: yes.
Comment: Has not been previously published as pathogenic or benign to our knowledge; In silico analysis, which includes splice predictors and evolutionary conservation, suggests this variant may impact gene splicing. In the absence of RNA/functional studies, the actual effect of this sequence change is unknown.

NM_000093.5(COL5A1):c.2424C>T (p.Gly808=)

Gene: COL5A1 (collagen type V alpha 1 chain; plus strand). Cytogenetic location: 9q34.3.
Variant type: single nucleotide variant.
Coding change: c.2424C>T on transcript NM_000093.5 (MANE Select); coding-DNA position 2424, C replaced by T.
Protein change: p.Gly808=; no amino-acid change (glycine 808 retained).
Molecular consequence: synonymous variant.
Genome position (GRCh38, 1-based): chr9:134,780,140, C>T. VCF-style: chr9-134780140-C-T. GRCh37 (hg19) VCF-style: chr9-137671986-C-T.
Other names: p.Gly808=; c.2424C>T, p.Gly808= (NM_001278074.1).
Identifiers: ClinVar variation 392809 (VCV000392809.15), dbSNP rs139343205, ClinGen allele CA5319323.